The following is an entry in ClinVar:

NM_000038.6(APC):c.1651T>A (p.Leu551Met)

Gene: APC (APC regulator of WNT signaling pathway; plus strand). Cytogenetic location: 5q22.2.
Variant type: single nucleotide variant.
Coding change: c.1651T>A on transcript NM_000038.6 (MANE Select); coding-DNA position 1651, T replaced by A.
Protein change: p.Leu551Met; replaces leucine 551 with methionine.
Molecular consequence: missense variant.
Genome position (GRCh38, 1-based): chr5:112,828,880, T>A. VCF-style: chr5-112828880-T-A. GRCh37 (hg19) VCF-style: chr5-112164577-T-A.
Other names: c.1651T>A, p.Leu551Met (NM_001127510.3, NM_001354895.2, NM_001407450.1); c.1597T>A, p.Leu533Met (NM_001127511.3); c.1705T>A, p.Leu569Met (NM_001354896.2, NM_001407447.1, NM_001407448.1 and 1 more transcripts); c.1681T>A, p.Leu561Met (NM_001354897.2); c.1576T>A, p.Leu526Met (NM_001354898.2); c.1567T>A, p.Leu523Met (NM_001354899.2); c.1528T>A, p.Leu510Met (NM_001354900.2); c.1474T>A, p.Leu492Met (NM_001354901.2, NM_001407453.1); and 11 more; short protein forms L167M, L268M, L391M, L422M, L425M, L450M, L460M, L468M.
Identifiers: ClinVar variation 3600920 (VCV003600920.1).
Genomic context (GRCh38, chr5:112,828,880, plus strand): 5'-TATGTATAAATTAATCTAAAATTGATTAATTTGCAGGTTATTGCGAGTGTTTTGAGGAAT[T>A]TGTCTTGGCGAGCAGATGTAAATAGTAAAAAGACGTTGCGAGAAGTTGGAAGTGTGAAAG-3'
Protein context (NP_000029.2, residues 541-561): QQVIASVLRN[Leu551Met]SWRADVNSKK

ClinVar aggregate classification (germline): Uncertain significance (1 of 4 stars; one submission).

Submission:

GeneDx
Classification: Uncertain significance. Last evaluated: 2024-07-21. Review status: criteria provided, single submitter. Criteria: GeneDx Variant Classification Process June 2021. Collection method: clinical testing. Allele origin: germline. Affected: yes.
Comment: Not observed at significant frequency in large population cohorts (gnomAD); In silico analysis indicates that this missense variant does not alter protein structure/function; Has not been previously published as pathogenic or benign to our knowledge; This variant is associated with the following publications: (PMID: 18199528)